The following is an entry in ClinVar:

NM_001126108.2(SLC12A3):c.*404C>T

Gene: SLC12A3 (solute carrier family 12 member 3; plus strand). Cytogenetic location: 16q13.
Variant type: single nucleotide variant.
Coding change: c.*404C>T on transcript NM_001126108.2 (MANE Select); 404 bases downstream of the stop codon, C replaced by T.
Molecular consequence: 3 prime UTR variant.
Genome position (GRCh38, 1-based): chr16:56,913,809, C>T. VCF-style: chr16-56913809-C-T. GRCh37 (hg19) VCF-style: chr16-56947721-C-T.
Other names: c.*404C>T (NM_000339.3, NM_001126107.2).
Identifiers: ClinVar variation 319930 (VCV000319930.6), dbSNP rs37031, ClinGen allele CA10647819.

ClinVar aggregate classification (germline): Benign. Review status: criteria provided, multiple submitters, no conflicts (2 of 4 stars). 2 submissions from 2 submitters: Benign (2). Last evaluated 2018-01-13.

Conditions:
Familial hypokalemia-hypomagnesemia (GTLMNS). Also called: gitelman syndrome; HYPOMAGNESEMIA-HYPOKALEMIA, PRIMARY RENOTUBULAR, WITH HYPOCALCIURIA; POTASSIUM AND MAGNESIUM DEPLETION. Identifiers: Orphanet 358, MedGen C0268450, MONDO:0009904, OMIM 263800.

Allele frequency attached by ClinVar (database versions not stated): gnomAD exomes 0.53009; 1000 Genomes Project 0.54093; 1000 Genomes Project 30x 0.54872; TOPMed 0.57027; gnomAD 0.57437 and 0.58188.
gnomAD v4.1: 172,954 of 313,546 alleles (55%); highest among the groups gnomAD compares: African/African-American, 66%; 48,652 homozygotes.

Submissions (2):

Illumina Laboratory Services, Illumina
Classification: Benign for Familial hypokalemia-hypomagnesemia. Last evaluated: 2018-01-13. Review status: criteria provided, single submitter. Criteria: ICSL Variant Classification Criteria 13 December 2019. Collection method: clinical testing. Allele origin: germline.
Comment: This variant was observed in the ICSL laboratory as part of a predisposition screen in an ostensibly healthy population. It had not been previously curated by ICSL or reported in the Human Gene Mutation Database (HGMD: prior to June 1st, 2018), and was therefore a candidate for classification through an automated scoring system. Utilizing variant allele frequency, disease prevalence and penetrance estimates, and inheritance mode, an automated score was calculated to assess if this variant is too frequent to cause the disease. Based on the score and internal cut-off values, a variant classified as benign is not then subjected to further curation. The score for this variant resulted in a classification of benign for this disease.

Breakthrough Genomics
Classification: Benign. Review status: criteria provided, single submitter. Criteria: ACMG Guidelines, 2015. Collection method: not provided. Allele origin: germline. Inheritance: Autosomal recessive inheritance. Affected: yes.